The following is an entry in ClinVar:

NM_001035.3(RYR2):c.9334A>C (p.Ile3112Leu)

Gene: RYR2 (ryanodine receptor 2; plus strand). Cytogenetic location: 1q43.
Variant type: single nucleotide variant.
Coding change: c.9334A>C on transcript NM_001035.3 (MANE Select); coding-DNA position 9334, A replaced by C.
Protein change: p.Ile3112Leu; replaces isoleucine 3112 with leucine.
Molecular consequence: missense variant.
Genome position (GRCh38, 1-based): chr1:237,700,434, A>C. VCF-style: chr1-237700434-A-C. GRCh37 (hg19) VCF-style: chr1-237863734-A-C.
Other names: short protein forms I3112L.
Identifiers: ClinVar variation 5028701 (VCV005028701.1).

ClinVar aggregate classification (germline): Uncertain significance (1 of 4 stars; one submission).

Conditions:
Cardiovascular phenotype. Identifiers: MedGen CN230736.

Submission:

Ambry Genetics
Classification: Uncertain significance for Cardiovascular phenotype. Last evaluated: 2026-08-08. Review status: criteria provided, single submitter. Criteria: Ambry Variant Classification Scheme 2023. Collection method: clinical testing. Allele origin: germline.
Comment: The p.I3112L variant (also known as c.9334A>C), located in coding exon 65 of the RYR2 gene, results from an A to C substitution at nucleotide position 9334. The isoleucine at codon 3112 is replaced by leucine, an amino acid with highly similar properties. This amino acid position is conserved. In addition, this alteration is predicted to be tolerated by in silico analysis. Based on the available evidence, the clinical significance of this variant remains unclear.